The following is an entry in ClinVar:

NM_000484.4(APP):c.2149G>T (p.Val717Phe)

Gene: APP (amyloid beta precursor protein; minus strand). Cytogenetic location: 21q21.3.
Variant type: single nucleotide variant.
Coding change: c.2149G>T on transcript NM_000484.4 (MANE Select); coding-DNA position 2149, G replaced by T.
Protein change: p.Val717Phe; replaces valine 717 with phenylalanine.
Molecular consequence: missense variant.
Genome position (GRCh38, 1-based): chr21:25,891,784, C>A on the plus strand (G>T on the coding strand, the complement: APP is on the minus strand). VCF-style: chr21-25891784-C-A. GRCh37 (hg19) VCF-style: chr21-27264096-C-A.
Other names: c.2077G>T, p.Val693Phe (NM_001136016.3); c.1756G>T, p.Val586Phe (NM_001136129.3); c.1981G>T, p.Val661Phe (NM_001136130.3, NM_001385253.1); c.1819G>T, p.Val607Phe (NM_001136131.3); c.2095G>T, p.Val699Phe (NM_001204301.2); c.2038G>T, p.Val680Phe (NM_001204302.2); c.1870G>T, p.Val624Phe (NM_001204303.2); c.2092G>T, p.Val698Phe (NM_201413.3); and 1 more; short protein forms V717F, V624F, V661F, V693F, V586F, V607F, V642F, V680F.
Identifiers: ClinVar variation 18089 (VCV000018089.41), dbSNP rs63750264, ClinGen allele CA127792.

ClinVar aggregate classification (germline): Pathogenic. Review status: criteria provided, multiple submitters, no conflicts (2 of 4 stars). 4 submissions from 4 submitters: Pathogenic (3). 1 of the submissions does not count toward it. Last evaluated 2025-03-31.

Conditions:
Alzheimer disease type 1 (AD1). Also called: ALZHEIMER DISEASE, FAMILIAL, 1; ALZHEIMER DISEASE, FAMILIAL, 1, AUTOSOMAL RECESSIVE. Identifiers: MedGen C1863052, MONDO:0007088, OMIM 104300.
Alzheimer disease. Also called: Alzheimer's disease; Presenile and senile dementia. Identifiers: Orphanet 1020, MedGen C0002395, MeSH D000544, MONDO:0004975, HP:0002511.

Submissions (4):

Labcorp Genetics (formerly Invitae), Labcorp
Classification: Pathogenic for Alzheimer disease. Last evaluated: 2025-03-31. Review status: criteria provided, single submitter. Criteria: Invitae Variant Classification Sherloc (09022015). Collection method: clinical testing. Allele origin: germline.
Comment: This sequence change replaces valine, which is neutral and non-polar, with phenylalanine, which is neutral and non-polar, at codon 717 of the APP protein (p.Val717Phe). This variant is not present in population databases (gnomAD no frequency). This missense change has been observed in individuals with early-onset Alzheimer's disease (PMID: 1925564, 15776278). It has also been observed to segregate with disease in related individuals. This variant is also known as Val642Phe. ClinVar contains an entry for this variant (Variation ID: 18089). Invitae Evidence Modeling of protein sequence and biophysical properties (such as structural, functional, and spatial information, amino acid conservation, physicochemical variation, residue mobility, and thermodynamic stability) indicates that this missense variant is expected to disrupt APP protein function with a positive predictive value of 95%. Experimental studies have shown that this missense change affects APP function (PMID: 7806491, 7845465, 8191290, 11528419, 12707272, 20452985). For these reasons, this variant has been classified as Pathogenic.

Institute of Human Genetics Munich, TUM University Hospital
Classification: Pathogenic for Alzheimer disease type 1. Last evaluated: 2023-07-26. Review status: criteria provided, single submitter. Criteria: Classification criteria August 2017. Collection method: clinical testing. Allele origin: germline. Inheritance: Autosomal dominant inheritance. Affected: yes. Observed: 1 variant allele.

CeGaT Center for Human Genetics Tuebingen
Classification: Pathogenic. Last evaluated: 2022-01-01. Review status: criteria provided, single submitter. Criteria: CeGaT Center For Human Genetics Tuebingen Variant Classification Criteria Version 2. Collection method: clinical testing. Allele origin: germline. Affected: yes. Observed: 2 variant alleles.

OMIM
Classification: Pathogenic for ALZHEIMER DISEASE, FAMILIAL, 1. Last evaluated: 1999-12-21. Review status: no assertion criteria provided. Collection method: literature only. Allele origin: germline. Not counted in ClinVar's aggregate classification.

Literature cited by the submitters: PubMed 1925564 (cited by Labcorp Genetics (formerly Invitae), Labcorp and OMIM); PubMed 15776278 (cited by Labcorp Genetics (formerly Invitae), Labcorp); PubMed 7806491 (cited by Labcorp Genetics (formerly Invitae), Labcorp); PubMed 7845465 (cited by Labcorp Genetics (formerly Invitae), Labcorp and OMIM); PubMed 8191290 (cited by Labcorp Genetics (formerly Invitae), Labcorp); PubMed 11528419 (cited by Labcorp Genetics (formerly Invitae), Labcorp); PubMed 12707272 (cited by Labcorp Genetics (formerly Invitae), Labcorp); PubMed 20452985 (cited by Labcorp Genetics (formerly Invitae), Labcorp); PubMed 8886002 (cited by Institute of Human Genetics Munich, TUM University Hospital); PubMed 7686976 (cited by OMIM); PubMed 10611368 (cited by OMIM); PubMed 11910111 (cited by OMIM).